The following is an entry in ClinVar:

ClinVar aggregate classification (germline): Uncertain significance. Review status: criteria provided, multiple submitters, no conflicts (2 of 4 stars). 3 submissions from 3 submitters: Uncertain significance (3). Last evaluated 2026-02-11.

Conditions:
POLD1-related polyposis and colorectal cancer syndrome (CRCS10). Also called: Colorectal cancer 10; COLORECTAL CANCER, SUSCEPTIBILITY TO, ON CHROMOSOME 19q; Colorectal cancer, susceptibility to, 10. Identifiers: Orphanet 220460, MedGen C2675481, MONDO:0012953, OMIM 612591.
Hereditary cancer-predisposing syndrome. Also called: Neoplastic Syndromes, Hereditary; Tumor predisposition; Hereditary Cancer Syndrome; Hereditary neoplastic syndrome. Identifiers: Orphanet 140162, MedGen C0027672, MeSH D009386, MONDO:0015356.

Submissions (3):

St. Jude Molecular Pathology, St. Jude Children's Research Hospital
Classification: Uncertain significance for POLD1-related polyposis and colorectal cancer syndrome. Last evaluated: 2026-02-11. Review status: criteria provided, single submitter. Criteria: St. Jude Assertion Criteria 2020. Collection method: clinical testing. Allele origin: germline.
Comment: The POLD1 c.2971dup p.(Cys991LeufsTer37) change duplicates one nucleotide to cause a frameshift and the creation of a premature stop codon. This change is predicted to cause protein truncation or absence of protein due to nonsense-mediated decay. This variant is absent in gnomAD v2.1.1. To our knowledge, this variant has not been reported in individuals with POLD1-related disease. In summary, the evidence currently available is insufficient to determine the clinical significance of this variant. It has therefore been classified as of uncertain significance.

Ambry Genetics
Classification: Uncertain significance for Hereditary cancer-predisposing syndrome. Last evaluated: 2025-03-17. Review status: criteria provided, single submitter. Criteria: Ambry Variant Classification Scheme 2023. Collection method: clinical testing. Allele origin: germline.
Comment: The c.2971dupT variant, located in coding exon 23 of the POLD1 gene, results from a duplication of T at nucleotide position 2971, causing a translational frameshift with a predicted alternate stop codon (p.C991Lfs*37). This alteration is expected to result in protein truncation or nonsense-mediated mRNA decay. However, loss of function of POLD1 has not been established as a mechanism of disease. Based on the available evidence, the clinical significance of this alteration remains unclear.

Labcorp Genetics (formerly Invitae), Labcorp
Classification: Uncertain significance for POLD1-related polyposis and colorectal cancer syndrome. Last evaluated: 2023-05-12. Review status: criteria provided, single submitter. Criteria: Invitae Variant Classification Sherloc (09022015). Collection method: clinical testing. Allele origin: germline.
Comment: In summary, the available evidence is currently insufficient to determine the role of this variant in disease. Therefore, it has been classified as a Variant of Uncertain Significance. ClinVar contains an entry for this variant (Variation ID: 1502307). This variant has not been reported in the literature in individuals affected with POLD1-related conditions. This variant is not present in population databases (gnomAD no frequency). This sequence change creates a premature translational stop signal (p.Cys991Leufs*37) in the POLD1 gene. Missense variants that disrupt the 3'-5' exonuclease (proof-reading) activity of the POLD1 protein are associated with PPAP (polymerase proofreading–associated polyposis) (PMID: 23263490, 23447401). However, loss-of-function variants that result in an absent or severely disrupted POLD1 protein, and missense variants outside the exonuclease domain, are unlikely to be associated with PPAP.

Literature cited by the submitters: PubMed 23263490 (cited by Labcorp Genetics (formerly Invitae), Labcorp); PubMed 23447401 (cited by Labcorp Genetics (formerly Invitae), Labcorp).

NM_002691.4(POLD1):c.2971dup (p.Cys991fs)

Gene: POLD1 (DNA polymerase delta 1, catalytic subunit; plus strand). Cytogenetic location: 19q13.33.
Variant type: Duplication.
Coding change: c.2971dup on transcript NM_002691.4 (MANE Select); coding-DNA position 2971, one base duplicated (T; older notation c.2971dupT).
Protein change: p.Cys991fs; shifts the reading frame from cysteine 991.
Molecular consequence: frameshift variant. On other transcripts: non-coding transcript variant (1).
Genome position (GRCh38, 1-based): chr19:50,416,627, T duplicated. VCF-style (leftmost placement, unchanged base first): chr19-50416626-C-CT. GRCh37 (hg19) VCF-style: chr19-50919883-C-CT.
Other names: c.2971dup, p.Cys991fs (NM_001256849.1); c.3049dup, p.Cys1017fs (NM_001308632.1); c.2971dupT (NM_002691.2); short protein forms C991fs, C1017fs.
Identifiers: ClinVar variation 1502307 (VCV001502307.10), dbSNP rs2122495810, ClinGen allele CA2573156762.
Genomic context (GRCh38, chr19:50,416,626, plus strand): 5'-GGCAGAGGAGATCACCGGCCCACCACCTGCCTCCTCTCCTGCAGGGGGGGACCACACGCG[C>CT]TGCAAGACGGTGCTCACGGGCAAGGTGGGCGGCCTCCTGGCCTTCGCCAAACGCCGCAAC-3'